The following is an entry in ClinVar:

ClinVar aggregate classification (germline): Likely benign. Review status: criteria provided, multiple submitters, no conflicts (2 of 4 stars). 6 submissions from 6 submitters: Likely benign (5). 1 of the submissions does not count toward it. Last evaluated 2026-01-11.

Conditions:
Congenital myasthenic syndrome 8. Also called: Myasthenic syndrome, congenital, 8, with pre- and postsynaptic defects; MYASTHENIC SYNDROME, CONGENITAL, DUE TO AGRIN DEFICIENCY. Identifiers: Orphanet 590, MedGen C3808739, MONDO:0014052, OMIM 615120.

Allele frequency attached by ClinVar (database versions not stated): gnomAD exomes 0.00032; 1000 Genomes Project 30x 0.00156; ExAC 0.00046; 1000 Genomes Project 0.00160; TOPMed 0.00097; ESP Exome Variant Server 0.00100.

Submissions (6):

Labcorp Genetics (formerly Invitae), Labcorp
Classification: Likely benign for Congenital myasthenic syndrome 8. Last evaluated: 2026-01-11. Review status: criteria provided, single submitter. Criteria: Invitae Variant Classification Sherloc (09022015). Collection method: clinical testing. Allele origin: germline.

Women's Health and Genetics/Laboratory Corporation of America, LabCorp
Classification: Likely benign. Last evaluated: 2024-07-30. Review status: criteria provided, single submitter. Criteria: LabCorp Variant Classification Summary - May 2015. Collection method: clinical testing. Allele origin: germline.
Comment: Variant summary: AGRN c.1198C>T (p.Arg400Trp) results in a non-conservative amino acid change in the encoded protein sequence. Three of five in-silico tools predict a damaging effect of the variant on protein function. The variant allele was found at a frequency of 0.00026 in 1610860 control chromosomes in the gnomAD database (v4.1 dataset), including 3 homozygotes. The variant was found predominantly within the African or African-American subpopulation at a frequency of 0.003. The observed variant frequency within African or African-American control individuals, together with the presence in homozygotes suggest that the variant might be benign. To our knowledge, no occurrence of c.1198C>T in individuals affected with Congenital Myasthenic Syndrome-8 and no experimental evidence demonstrating its impact on protein function have been reported. ClinVar contains an entry for this variant (Variation ID: 474098). Based on the evidence outlined above, the variant was classified as likely benign.

Revvity Omics, Revvity
Classification: Likely benign for Congenital myasthenic syndrome 8. Last evaluated: 2024-05-30. Review status: criteria provided, single submitter. Criteria: ACMG Guidelines, 2015. Collection method: clinical testing. Allele origin: germline.

GeneDx
Classification: Likely benign. Last evaluated: 2021-03-23. Review status: criteria provided, single submitter. Criteria: GeneDx Variant Classification Process June 2021. Collection method: clinical testing. Allele origin: germline. Affected: yes.
Comment: In silico analysis, which includes protein predictors and evolutionary conservation, supports that this variant does not alter protein structure/function; Has not been previously published as pathogenic or benign to our knowledge

Breakthrough Genomics
Classification: Likely benign. Review status: criteria provided, single submitter. Criteria: ACMG Guidelines, 2015. Collection method: not provided. Allele origin: germline. Inheritance: Autosomal recessive inheritance. Affected: yes.

Foundation for Research in Genetics and Endocrinology, FRIGE's Institute of Human Genetics
Classification: Uncertain significance for Congenital myasthenic syndrome 8. Last evaluated: 2017-07-04. Review status: no assertion criteria provided. Collection method: clinical testing. Allele origin: germline. Inheritance: Autosomal recessive inheritance. Affected: no. Observed: 2 variant alleles, 2 heterozygotes. Not counted in ClinVar's aggregate classification.
Comment: The observed variant c.1198C>T (p.Arg400Trp) has a minor allele frequency of 0.0016 and 0.0005 in 1000 Genomes and ExAC databases respectively. The in silico prediction of the variant is benign by MutationTaster2, damaging by SIFT, and probably damaging by PolyPhen2.

NM_198576.4(AGRN):c.1198C>T (p.Arg400Trp)

Gene: AGRN (agrin; plus strand). Cytogenetic location: 1p36.33.
Variant type: single nucleotide variant.
Coding change: c.1198C>T on transcript NM_198576.4 (MANE Select); coding-DNA position 1198, C replaced by T.
Protein change: p.Arg400Trp; replaces arginine 400 with tryptophan.
Molecular consequence: missense variant.
Genome position (GRCh38, 1-based): chr1:1,041,976, C>T. VCF-style: chr1-1041976-C-T. GRCh37 (hg19) VCF-style: chr1-977356-C-T.
Other names: c.1198C>T, p.Arg400Trp (NM_001305275.2); c.883C>T, p.Arg295Trp (NM_001364727.2); short protein forms R400W, R295W.
Identifiers: ClinVar variation 474098 (VCV000474098.19), dbSNP rs149636063, ClinGen allele CA508071.